The following is an entry in ClinVar:

NM_001267550.2(TTN):c.9751C>T (p.Gln3251Ter)

Gene: TTN (titin; minus strand). Cytogenetic location: 2q31.2.
Variant type: single nucleotide variant.
Coding change: c.9751C>T on transcript NM_001267550.2 (MANE Select); coding-DNA position 9751, C replaced by T.
Protein change: p.Gln3251Ter; replaces glutamine 3251 with a stop codon.
Molecular consequence: nonsense.
Genome position (GRCh38, 1-based): chr2:178,764,764, G>A on the plus strand (C>T on the coding strand, the complement: TTN is on the minus strand). VCF-style: chr2-178764764-G-A. GRCh37 (hg19) VCF-style: chr2-179629491-G-A.
Other names: c.9751C>T, p.Gln3251Ter (NM_001256850.1, NM_133378.4, NM_133379.5); c.9613C>T, p.Gln3205Ter (NM_003319.4, NM_133432.3, NM_133437.4); short protein forms Q3205*, Q3251*.
Identifiers: ClinVar variation 3750807 (VCV003750807.3).

ClinVar aggregate classification (germline): Likely pathogenic. Review status: criteria provided, multiple submitters, no conflicts (2 of 4 stars). 2 submissions from 2 submitters: Likely pathogenic (2). Last evaluated 2025-04-08.

Conditions:
Cardiovascular phenotype. Identifiers: MedGen CN230736.
Autosomal recessive limb-girdle muscular dystrophy type 2J (LGMDR10). Also called: Limb-girdle muscular dystrophy, type 2J; MUSCULAR DYSTROPHY, LIMB-GIRDLE, AUTOSOMAL RECESSIVE 10. Identifiers: Orphanet 140922, MedGen C1837342, MONDO:0012127, OMIM 608807.
Dilated cardiomyopathy 1G (CMD1G). Identifiers: Orphanet 154, MedGen C1858763, MONDO:0011400, OMIM 604145.

gnomAD v4.1: 6 of 1,613,900 alleles (0.00037%); highest among the groups gnomAD compares: Non-Finnish European, 0.00051%; no homozygotes.

Submissions (2):

Labcorp Genetics (formerly Invitae), Labcorp
Classification: Likely pathogenic for Dilated cardiomyopathy 1G; Autosomal recessive limb-girdle muscular dystrophy type 2J. Last evaluated: 2025-04-08. Review status: criteria provided, single submitter. Criteria: Invitae Variant Classification Sherloc (09022015). Collection method: clinical testing. Allele origin: germline.
Comment: This sequence change creates a premature translational stop signal (p.Gln3251*) in the TTN gene. While this is not anticipated to result in nonsense mediated decay, it is expected to create a truncated TTN protein. This variant is not present in population databases (gnomAD no frequency). This variant has not been reported in the literature in individuals affected with TTN-related conditions. ClinVar contains an entry for this variant (Variation ID: 3750807). This variant is located in the I band of TTN (PMID: 25589632). Truncating variants in this region have been reported in individuals affected with autosomal recessive centronuclear myopathy (PMID: 23975875, internal data). Truncating variants in this region have also been identified in individuals affected with autosomal dominant dilated cardiomyopathy and/or cardio-related conditions (PMID: 27869827, 32964742, internal data). In summary, the currently available evidence indicates that the variant is pathogenic, but additional data are needed to prove that conclusively. Therefore, this variant has been classified as Likely Pathogenic.

Ambry Genetics
Classification: Likely pathogenic for Cardiovascular phenotype. Last evaluated: 2025-03-01. Review status: criteria provided, single submitter. Criteria: Ambry Variant Classification Scheme 2023. Collection method: clinical testing. Allele origin: germline.
Comment: The p.Q3205* variant (also known as c.9613C>T), located in coding exon 40 of the TTN gene, results from a C to T substitution at nucleotide position 9613. This changes the amino acid from a glutamine to a stop codon within coding exon 40. This exon is located in the I-band region of the N2-B isoform of the titin protein and is constitutively expressed in TTN transcripts (percent spliced in or PSI 100%). This variant is considered to be rare based on population cohorts in the Genome Aggregation Database (gnomAD). This variant is expected to result in loss of function by premature protein truncation or nonsense-mediated mRNA decay. While truncating variants in TTN are present in 1-3% of the general population, truncating variants in the A-band are the most common cause of dilated cardiomyopathy (Herman DS et al. N. Engl. J. Med., 2012 Feb;366:619-28; Roberts AM et al. Sci Transl Med, 2015 Jan;7:270ra6). TTN truncating variants encoded in constitutive exons (PSI >90%) have been found to be significantly associated with DCM regardless of their position in titin (Schafer S et al. Nat. Genet., 2017 01;49:46-53; Akhtar MM et al. Circ Heart Fail, 2020 Oct;13:e006832; Massier M et al. Clin Genet, 2025 Jan). Based on the majority of available evidence to date, this variant is likely to be pathogenic.

Literature cited by the submitters: PubMed 25589632 (cited by Labcorp Genetics (formerly Invitae), Labcorp); PubMed 23975875 (cited by Labcorp Genetics (formerly Invitae), Labcorp); PubMed 27869827 (cited by Labcorp Genetics (formerly Invitae), Labcorp); PubMed 32964742 (cited by Labcorp Genetics (formerly Invitae), Labcorp).